The following is an entry in ClinVar:

NM_004172.5(SLC1A3):c.*1656G>C

Genes: SLC1A3 (solute carrier family 1 member 3; plus strand), SLC1A3-AS1 (SLC1A3 antisense RNA 1; minus strand). Cytogenetic location: 5p13.2.
Variant type: single nucleotide variant.
Coding change: c.*1656G>C on transcript NM_004172.5 (MANE Select); 1656 bases downstream of the stop codon, G replaced by C.
Molecular consequence: 3 prime UTR variant.
Genome position (GRCh38, 1-based): chr5:36,687,925, G>C. VCF-style: chr5-36687925-G-C. GRCh37 (hg19) VCF-style: chr5-36688027-G-C.
Other names: c.*1656G>C (NM_001166695.3, NM_001289939.2, NM_001289940.2).
Identifiers: ClinVar variation 353356 (VCV000353356.6), dbSNP rs56129258, ClinGen allele CA10620328.
Genomic context (GRCh38, chr5:36,687,925, plus strand): 5'-TGGGAGCTGTCAGGCAGTAGCAGCTGTGTTTGAGTTTCTGGCTGAAAATGGTGAAGAATG[G>C]ACTTAATTATGCTAACAAACTGAAAAATCTAGACATAGATCCTCTGATATACAATTAGAG-3'

ClinVar aggregate classification (germline): Benign. Review status: criteria provided, multiple submitters, no conflicts (2 of 4 stars). 2 submissions from 2 submitters: Benign (2). Last evaluated 2018-01-12.

Conditions:
Episodic ataxia type 6. Identifiers: Orphanet 209967, MedGen C2675211, MONDO:0012982, OMIM 612656.

Allele frequency attached by ClinVar (database versions not stated): 1000 Genomes Project 30x 0.00796; 1000 Genomes Project 0.00879; TOPMed 0.01440; gnomAD 0.01660 and 0.01708; gnomAD exomes 0.04044.
gnomAD v4.1: 2,535 of 152,534 alleles (1.7%); highest among the groups gnomAD compares: Non-Finnish European, 2.2%; 32 homozygotes.

Submissions (2):

Illumina Laboratory Services, Illumina
Classification: Benign for Episodic ataxia type 6. Last evaluated: 2018-01-12. Review status: criteria provided, single submitter. Criteria: ICSL Variant Classification Criteria 13 December 2019. Collection method: clinical testing. Allele origin: germline.
Comment: This variant was observed in the ICSL laboratory as part of a predisposition screen in an ostensibly healthy population. It had not been previously curated by ICSL or reported in the Human Gene Mutation Database (HGMD: prior to June 1st, 2018), and was therefore a candidate for classification through an automated scoring system. Utilizing variant allele frequency, disease prevalence and penetrance estimates, and inheritance mode, an automated score was calculated to assess if this variant is too frequent to cause the disease. Based on the score and internal cut-off values, a variant classified as benign is not then subjected to further curation. The score for this variant resulted in a classification of benign for this disease.

Breakthrough Genomics
Classification: Benign. Review status: criteria provided, single submitter. Criteria: ACMG Guidelines, 2015. Collection method: not provided. Allele origin: germline. Inheritance: Autosomal dominant inheritance. Affected: yes.